The following is an entry in ClinVar:

NM_000038.6(APC):c.8364A>G (p.Pro2788=)

Gene: APC (APC regulator of Wnt signaling pathway; plus strand). Cytogenetic location: 5q22.2.
Variant type: single nucleotide variant.
Coding change: c.8364A>G on transcript NM_000038.6 (MANE Select); coding-DNA position 8364, A replaced by G.
Protein change: p.Pro2788=; no amino-acid change (proline 2788 retained).
Molecular consequence: synonymous variant. On other transcripts: non-coding transcript variant (2).
Genome position (GRCh38, 1-based): chr5:112,843,958, A>G. VCF-style: chr5-112843958-A-G. GRCh37 (hg19) VCF-style: chr5-112179655-A-G.
Other names: c.7212A>G, p.Pro2404= (NM_001407471.1, NM_001407472.1); c.8061A>G, p.Pro2687= (NM_001407458.1, NM_001407459.1, NM_001407460.1 and 1 more transcripts); c.7977A>G, p.Pro2659= (NM_001407467.1, NM_001407469.1); c.7515A>G, p.Pro2505= (NM_001407470.1, NM_001354906.2); c.8364A>G, p.Pro2788= (NM_001127510.3, NM_001354895.2, NM_001407450.1); c.8310A>G, p.Pro2770= (NM_001127511.3); c.8418A>G, p.Pro2806= (NM_001354896.2, NM_001407447.1, NM_001407448.1 and 1 more transcripts); c.8394A>G, p.Pro2798= (NM_001354897.2); and 12 more.
Identifiers: ClinVar variation 3254480 (VCV003254480.2), dbSNP rs2150004050.

ClinVar aggregate classification (germline): Benign/Likely benign. Review status: criteria provided, multiple submitters, no conflicts (2 of 4 stars). 2 submissions from 2 submitters: Benign (1); Likely benign (1). Last evaluated 2026-08-01.

Conditions:
Familial adenomatous polyposis 1 (FAP1). Also called: FAMILIAL ADENOMATOUS POLYPOSIS 1, ATTENUATED; POLYPOSIS, ADENOMATOUS INTESTINAL. Identifiers: MedGen C2713442, MONDO:0021056, OMIM 175100. Disease mechanism: loss of function.
Hereditary cancer-predisposing syndrome. Also called: Neoplastic Syndromes, Hereditary; Tumor predisposition; Hereditary Cancer Syndrome; Hereditary neoplastic syndrome. Identifiers: Orphanet 140162, MedGen C0027672, MeSH D009386, MONDO:0015356.

Submissions (2):

Ambry Genetics
Classification: Likely benign for Hereditary cancer-predisposing syndrome. Last evaluated: 2026-08-01. Review status: criteria provided, single submitter. Criteria: Ambry Variant Classification Scheme 2023. Collection method: clinical testing. Allele origin: germline.

Myriad Genetics, Inc.
Classification: Benign for Familial adenomatous polyposis 1. Last evaluated: 2024-04-15. Review status: criteria provided, single submitter. Criteria: Myriad Autosomal Dominant, Autosomal Recessive and X-Linked Classification Criteria (2023). Collection method: clinical testing. Allele origin: unknown.
Comment: This variant is considered benign. This variant is a silent/synonymous amino acid change and it is not expected to impact splicing.